The following is an entry in ClinVar:

ClinVar aggregate classification (germline): Benign. Review status: criteria provided, multiple submitters, no conflicts (2 of 4 stars). 2 submissions from 2 submitters: Benign (2). Last evaluated 2018-01-12.

Conditions:
Focal segmental glomerulosclerosis 5 (FSGS5). Identifiers: Orphanet 656, MedGen C2750475, MONDO:0013191, OMIM 613237.

Allele frequency attached by ClinVar (database versions not stated): TOPMed 0.00020; 1000 Genomes Project 30x 0.00031; 1000 Genomes Project 0.00040; gnomAD 0.00053 and 0.00055; gnomAD exomes 0.00062.
gnomAD v4.1: 895 of 1,481,470 alleles (0.06%); highest among the groups gnomAD compares: East Asian, 0.94%; 2 homozygotes.

Submissions (2):

Illumina Laboratory Services, Illumina
Classification: Benign for Focal segmental glomerulosclerosis 5. Last evaluated: 2018-01-12. Review status: criteria provided, single submitter. Criteria: ICSL Variant Classification Criteria 13 December 2019. Collection method: clinical testing. Allele origin: germline.
Comment: This variant was observed in the ICSL laboratory as part of a predisposition screen in an ostensibly healthy population. It had not been previously curated by ICSL or reported in the Human Gene Mutation Database (HGMD: prior to June 1st, 2018), and was therefore a candidate for classification through an automated scoring system. Utilizing variant allele frequency, disease prevalence and penetrance estimates, and inheritance mode, an automated score was calculated to assess if this variant is too frequent to cause the disease. Based on the score and internal cut-off values, a variant classified as benign is not then subjected to further curation. The score for this variant resulted in a classification of benign for this disease.

Breakthrough Genomics
Classification: Benign. Review status: criteria provided, single submitter. Criteria: ACMG Guidelines, 2015. Collection method: not provided. Allele origin: germline. Inheritance: Autosomal dominant inheritance. Affected: yes.

NM_022489.4(INF2):c.*136C>T

Gene: INF2 (inverted formin 2; plus strand). Cytogenetic location: 14q32.33.
Variant type: single nucleotide variant.
Coding change: c.*136C>T on transcript NM_022489.4 (MANE Select); 136 bases downstream of the stop codon, C replaced by T.
Molecular consequence: 3 prime UTR variant.
Genome position (GRCh38, 1-based): chr14:104,718,929, C>T. VCF-style: chr14-104718929-C-T. GRCh37 (hg19) VCF-style: chr14-105185266-C-T.
Other names: c.*106C>T (NM_001031714.4).
Identifiers: ClinVar variation 312716 (VCV000312716.6), dbSNP rs150579444, ClinGen allele CA10634660.